The following is an entry in ClinVar:

ClinVar aggregate classification (germline): Uncertain significance. Review status: criteria provided, multiple submitters, no conflicts (2 of 4 stars). 2 submissions from 2 submitters: Uncertain significance (2). Last evaluated 2020-08-24.

Conditions:
Ataxia-telangiectasia-like disorder (ATLD). Identifiers: MedGen C1858391, MONDO:0011457.
Hereditary cancer-predisposing syndrome. Also called: Hereditary Cancer Syndrome; Tumor predisposition; Hereditary neoplastic syndrome; Neoplastic Syndromes, Hereditary. Identifiers: Orphanet 140162, MedGen C0027672, MeSH D009386, MONDO:0015356.

Submissions (2):

Labcorp Genetics (formerly Invitae), Labcorp
Classification: Uncertain significance for Ataxia-telangiectasia-like disorder. Last evaluated: 2020-08-24. Review status: criteria provided, single submitter. Criteria: Invitae Variant Classification Sherloc (09022015). Collection method: clinical testing. Allele origin: germline.
Comment: Algorithms developed to predict the effect of missense changes on protein structure and function output the following: SIFT: "Tolerated"; PolyPhen-2: "Benign"; Align-GVGD: "Class C0". The isoleucine amino acid residue is found in multiple mammalian species, suggesting that this missense change does not adversely affect protein function. These predictions have not been confirmed by published functional studies and their clinical significance is uncertain. This variant has not been reported in the literature in individuals with MRE11-related conditions. In summary, the available evidence is currently insufficient to determine the role of this variant in disease. Therefore, it has been classified as a Variant of Uncertain Significance. This variant is not present in population databases (ExAC no frequency). This sequence change replaces valine with isoleucine at codon 635 of the MRE11 protein (p.Val635Ile). The valine residue is moderately conserved and there is a small physicochemical difference between valine and isoleucine.

Ambry Genetics
Classification: Uncertain significance for Hereditary cancer-predisposing syndrome. Last evaluated: 2020-01-30. Review status: criteria provided, single submitter. Criteria: Ambry Variant Classification Scheme 2023. Collection method: clinical testing. Allele origin: germline.
Comment: The p.V635I variant (also known as c.1903G>A), located in coding exon 16 of the MRE11A gene, results from a G to A substitution at nucleotide position 1903. The valine at codon 635 is replaced by isoleucine, an amino acid with highly similar properties. This amino acid position is well conserved in available vertebrate species. In addition, this alteration is predicted to be tolerated by in silico analysis. Since supporting evidence is limited at this time, the clinical significance of this alteration remains unclear.

NM_005591.4(MRE11):c.1903G>A (p.Val635Ile)

Gene: MRE11 (MRE11 double strand break repair nuclease; minus strand). Cytogenetic location: 11q21.
Variant type: single nucleotide variant.
Coding change: c.1903G>A on transcript NM_005591.4 (MANE Select); coding-DNA position 1903, G replaced by A.
Protein change: p.Val635Ile; replaces valine 635 with isoleucine.
Molecular consequence: missense variant.
Genome position (GRCh38, 1-based): chr11:94,437,200, C>T on the plus strand (G>A on the coding strand, the complement: MRE11 is on the minus strand). VCF-style: chr11-94437200-C-T. GRCh37 (hg19) VCF-style: chr11-94170366-C-T.
Other names: c.1900G>A, p.Val634Ile (NM_001330347.2); c.1819G>A, p.Val607Ile (NM_005590.4); short protein forms V607I, V634I, V635I.
Identifiers: ClinVar variation 1057718 (VCV001057718.11), dbSNP rs2134840277, ClinGen allele CA382374713.